The following is an entry in ClinVar:

ClinVar aggregate classification (germline): Uncertain significance (1 of 4 stars; one submission).

Conditions:
KSR2-related disorder. Also called: KSR2-related condition.

gnomAD v4.1: 7 of 1,613,020 alleles (0.00043%); highest among the groups gnomAD compares: Admixed American, 0.01%; no homozygotes.

Submission:

PreventionGenetics, part of Exact Sciences
Classification: Uncertain significance for KSR2-related condition. Last evaluated: 2026-09-10. Review status: criteria provided, single submitter. Criteria: ACMG Guidelines, 2015. Collection method: clinical testing. Allele origin: germline.
Comment: The KSR2 c.2744T>G variant is predicted to result in the amino acid substitution p.Phe915Cys. To our knowledge, this variant has not been reported in the literature. This variant is reported in 0.017% of alleles in individuals of Latino descent in gnomAD. At this time, the clinical significance of this variant is uncertain due to the absence of conclusive functional and genetic evidence.

NM_173598.6(KSR2):c.2831T>G (p.Phe944Cys)

Gene: KSR2 (kinase suppressor of ras 2; minus strand). Cytogenetic location: 12q24.22.
Variant type: single nucleotide variant.
Coding change: c.2831T>G on transcript NM_173598.6 (MANE Select); coding-DNA position 2831, T replaced by G.
Protein change: p.Phe944Cys; replaces phenylalanine 944 with cysteine.
Molecular consequence: missense variant.
Genome position (GRCh38, 1-based): chr12:117,469,677, A>C on the plus strand (T>G on the coding strand, the complement: KSR2 is on the minus strand). VCF-style: chr12-117469677-A-C. GRCh37 (hg19) VCF-style: chr12-117907482-A-C.
Other names: short protein forms F944C.
Identifiers: ClinVar variation 4978564 (VCV004978564.1).
Genomic context (GRCh38, chr12:117,469,677, plus strand): 5'-CAGAGGACAAGGCAGTGGGGAGAGACATTAAGGGAGAAAACCTACTCTGCAGACTTCCAG[A>C]AATGTCCAGGGTGAGACAGGCGACGGTTTCGCTTTGGCAGTTTCTCCAGCATGTCCATGA-3'
Protein context (NP_775869.4, residues 934-950): RNRRLSHPGH[Phe944Cys]WKSAEL